The following is an entry in ClinVar:

NM_006269.2(RP1):c.3253G>A (p.Val1085Ile)

Gene: RP1 (RP1 axonemal microtubule associated; plus strand). Cytogenetic location: 8q12.1.
Variant type: single nucleotide variant.
Coding change: c.3253G>A on transcript NM_006269.2 (MANE Select); coding-DNA position 3253, G replaced by A.
Protein change: p.Val1085Ile; replaces valine 1085 with isoleucine.
Molecular consequence: missense variant. On other transcripts: intron variant (1).
Genome position (GRCh38, 1-based): chr8:54,627,135, G>A. VCF-style: chr8-54627135-G-A. GRCh37 (hg19) VCF-style: chr8-55539695-G-A.
Other names: c.787+4847G>A (NM_001375654.1); short protein forms V1085I.
Identifiers: ClinVar variation 4881411 (VCV004881411.2).
Genomic context (GRCh38, chr8:54,627,135, plus strand): 5'-GTAGAGGCTGCCATTCAAGTAGATCCTATAGAAGAGGAAACTCCAAAAGACCTCTTACCA[G>A]TCCTGATGCTTCACCAATTGCAAGCTTCAGTTCCTGGTATTCACAAGACTCAGAATGGAG-3'
Protein context (NP_006260.1, residues 1075-1095): EEETPKDLLP[Val1085Ile]LMLHQLQASV

ClinVar aggregate classification (germline): Uncertain significance (1 of 4 stars; one submission).

Submission:

Dasa
Classification: Uncertain significance. Last evaluated: 2024-06-06. Review status: criteria provided, single submitter. Criteria: DASA Assertion Criteria. Collection method: clinical testing. Allele origin: germline.
Comment: NM_006269.2(RP1):c.3253G>A (p.Val1085Ile) is a missense variant that results in the substitution of valine with isoleucine. This variant is rare in population databases. Computational prediction algorithms are consistent with a benign effect. The currently available literature and clinical evidence are not sufficient to establish a definitive association between this variant and the reported condition. Therefore, this variant is classified as a variant of uncertain significance.